The following is an entry in ClinVar:

ClinVar aggregate classification (germline): Pathogenic (1 of 4 stars; one submission).

Conditions:
Nemaline myopathy 2 (NEM2). Also called: Nemaline myopathy 2, autosomal recessive. Identifiers: MedGen C1850569, MONDO:0009725, OMIM 256030.

Submission:

Labcorp Genetics (formerly Invitae), Labcorp
Classification: Pathogenic for Nemaline myopathy 2. Last evaluated: 2023-06-23. Review status: criteria provided, single submitter. Criteria: Invitae Variant Classification Sherloc (09022015). Collection method: clinical testing. Allele origin: germline.
Comment: This variant occurs in a region of NEB (Exons 82-105) consisting of three highly homologous 8-exon repeat units (exons 82-89, exons 90-97, exons 98-105). Sequence variants in this region can be detected, but this assay cannot determine which of the three repeat units is affected, and zygosity is often ambiguous. All variants in this region are reported relative to the exon 82-89 repeat. It is expected to result in an absent or disrupted protein product. Loss-of-function variants in NEB are known to be pathogenic (PMID: 25205138). The frequency data for this variant in the population databases (gnomAD) is considered unreliable due to the presence of homologous sequence, such as pseudogenes or paralogs, in the genome. This variant has not been reported in the literature in individuals affected with NEB-related conditions. ClinVar contains an entry for this variant (Variation ID: 1458512). For these reasons, this variant has been classified as Pathogenic.

Literature cited by the submitters: PubMed 25205138.

NM_001164508.2(NEB):c.13407_13416del (p.Gly4470fs)

Gene: NEB (nebulin; minus strand). Cytogenetic location: 2q23.3.
Variant type: Deletion.
Coding change: c.13407_13416del on transcript NM_001164508.2 (MANE Select); coding-DNA positions 13407 to 13416, 10 bases deleted (TGGTTATGAC; older notation c.13407_13416delTGGTTATGAC).
Protein change: p.Gly4470fs; shifts the reading frame from glycine 4470.
Molecular consequence: frameshift variant. On other transcripts: intron variant (1).
Genome position (GRCh38, 1-based): chr2:151,601,961-151,601,970, GTCATAACCA deleted on the plus strand (TGGTTATGAC on the coding strand, the reverse complement: NEB is on the minus strand); deleting any 10 consecutive bases within chr2:151,601,961-151,601,975 gives the same sequence; the c. name uses the placement nearest the transcript's 3' end. VCF-style (leftmost placement, unchanged base first): chr2-151601960-GGTCATAACCA-G. GRCh37 (hg19) VCF-style: chr2-152458474-GGTCATAACCA-G.
Other names: c.13407_13416del, p.Gly4470fs (NM_001164507.2, NM_001271208.2); c.11601+7839_11601+7848del (NM_004543.5); short protein forms G4470fs.
Identifiers: ClinVar variation 1458512 (VCV001458512.6), dbSNP rs2153923895, ClinGen allele CA2573133390.